The following is an entry in ClinVar:

NM_003002.4(SDHD):c.314+2C>T

Gene: SDHD (succinate dehydrogenase complex subunit D; plus strand). Cytogenetic location: 11q23.1.
Variant type: single nucleotide variant.
Coding change: c.314+2C>T on transcript NM_003002.4 (MANE Select); the canonical splice donor site of the intron after coding-DNA position 314, C replaced by T.
Molecular consequence: splice donor variant. On other transcripts: intron variant (1).
Genome position (GRCh38, 1-based): chr11:112,089,013, C>T. VCF-style: chr11-112089013-C-T. GRCh37 (hg19) VCF-style: chr11-111959737-C-T.
Other names: c.314+2C>T (NM_001276506.2); c.169+1040C>T (NM_001276503.2); c.197+2C>T (NM_001276504.2).
Identifiers: ClinVar variation 1374792 (VCV001374792.6), dbSNP rs1340664447, ClinGen allele CA382617444.

ClinVar aggregate classification (germline): Uncertain significance (1 of 4 stars; one submission).

Conditions:
Carney-Stratakis syndrome. Also called: PARAGANGLIOMA AND GASTROINTESTINAL STROMAL TUMOR. Identifiers: Orphanet 97286, MedGen C1847319, MONDO:0011740, OMIM 606864.
Pheochromocytoma. Also called: MAX-Related Hereditary Paraganglioma-Pheochromocytoma Syndrome. Identifiers: Orphanet 29072, MedGen C0031511, MONDO:0008233, OMIM 171300, HP:0002666.
Paragangliomas with sensorineural hearing loss. Identifiers: MedGen C1868633.
Cowden syndrome 3 (CWS3). Identifiers: Orphanet 201, MedGen CN166604, MONDO:0014045.

Submission:

Labcorp Genetics (formerly Invitae), Labcorp
Classification: Uncertain significance for Carney-Stratakis syndrome; Paragangliomas with sensorineural hearing loss; Pheochromocytoma; Cowden syndrome 3. Last evaluated: 2021-08-13. Review status: criteria provided, single submitter. Criteria: Invitae Variant Classification Sherloc (09022015). Collection method: clinical testing. Allele origin: germline.
Comment: In summary, the available evidence is currently insufficient to determine the role of this variant in disease. Therefore, it has been classified as a Variant of Uncertain Significance. Variants that disrupt the consensus splice site are a relatively common cause of aberrant splicing (PMID: 17576681, 9536098). Algorithms developed to predict the effect of sequence changes on RNA splicing suggest that this variant may create or strengthen a splice site. This variant has not been reported in the literature in individuals affected with SDHD-related conditions. This variant is not present in population databases (ExAC no frequency). This sequence change falls in intron 3 of the SDHD gene. It does not directly change the encoded amino acid sequence of the SDHD protein. It affects a nucleotide within the consensus splice site of the intron.

Literature cited by the submitters: PubMed 17576681; PubMed 9536098.